The following is an entry in ClinVar:

NM_001378183.1(PIEZO2):c.8288T>G (p.Leu2763Arg)

Gene: PIEZO2 (piezo type mechanosensitive ion channel component 2; minus strand). Cytogenetic location: 18p11.22.
Variant type: single nucleotide variant.
Coding change: c.8288T>G on transcript NM_001378183.1 (MANE Select); coding-DNA position 8288, T replaced by G.
Protein change: p.Leu2763Arg; replaces leucine 2763 with arginine.
Molecular consequence: missense variant.
Genome position (GRCh38, 1-based): chr18:10,672,747, A>C on the plus strand (T>G on the coding strand, the complement: PIEZO2 is on the minus strand). VCF-style: chr18-10672747-A-C. GRCh37 (hg19) VCF-style: chr18-10672744-A-C.
Other names: c.8024T>G, p.Leu2675Arg (NM_001410871.1); c.7949T>G, p.Leu2650Arg (NM_022068.4); short protein forms L2650R, L2675R, L2763R.
Identifiers: ClinVar variation 2507087 (VCV002507087.2), dbSNP rs2510217844, ClinGen allele CA401912715.

ClinVar aggregate classification (germline): Uncertain significance (1 of 4 stars; one submission).

Submission:

GeneDx
Classification: Uncertain significance. Last evaluated: 2024-06-24. Review status: criteria provided, single submitter. Criteria: GeneDx Variant Classification Process June 2021. Collection method: clinical testing. Allele origin: germline. Affected: yes.
Comment: Not observed at significant frequency in large population cohorts (gnomAD); In silico analysis supports that this missense variant has a deleterious effect on protein structure/function; Has not been previously published as pathogenic or benign to our knowledge